The following is an entry in ClinVar:

ClinVar aggregate classification (germline): Uncertain significance (1 of 4 stars; one submission).

Allele frequency attached by ClinVar (database versions not stated): gnomAD 0.00001.

Submission:

Women's Health and Genetics/Laboratory Corporation of America, LabCorp
Classification: Uncertain significance. Last evaluated: 2022-08-24. Review status: criteria provided, single submitter. Criteria: LabCorp Variant Classification Summary - May 2015. Collection method: clinical testing. Allele origin: germline.
Comment: Variant summary: LCA5 c.1979delG (p.Ser660MetfsX13), results in a premature termination codon in the last exon of the gene and is predicted to cause a truncation of the encoded protein. Although the variant is not predicted to cause nonsense mediated decay, this has not been confirmed experimentally. The variant was absent in 251162 control chromosomes (gnomAD). To our knowledge, no occurrence of c.1979delG in individuals affected with Leber Congenital Amaurosis and no experimental evidence demonstrating its impact on protein function have been reported. No clinical diagnostic laboratories have submitted clinical-significance assessments for this variant to ClinVar after 2014. Based on the evidence outlined above, the variant was classified as uncertain significance.

NM_001122769.3(LCA5):c.1979del (p.Ser660fs)

Gene: LCA5 (lebercilin LCA5; minus strand). Cytogenetic location: 6q14.1.
Variant type: Deletion.
Coding change: c.1979del on transcript NM_001122769.3 (MANE Select); coding-DNA position 1979, one base deleted (G; older notation c.1979delG).
Protein change: p.Ser660fs; shifts the reading frame from serine 660.
Molecular consequence: frameshift variant.
Genome position (GRCh38, 1-based): chr6:79,487,119, C deleted on the plus strand (G on the coding strand, the reverse complement: LCA5 is on the minus strand). VCF-style (leftmost placement, unchanged base first): chr6-79487118-AC-A. GRCh37 (hg19) VCF-style: chr6-80196835-AC-A.
Other names: c.1979del, p.Ser660fs (NM_181714.4); short protein forms S660fs.
Identifiers: ClinVar variation 1705195 (VCV001705195.1), dbSNP rs1769682832, ClinGen allele CA1090960132.